The following is an entry in ClinVar:

ClinVar aggregate classification (germline): Pathogenic/Likely pathogenic. Review status: criteria provided, multiple submitters, no conflicts (2 of 4 stars). 2 submissions from 2 submitters: Pathogenic (1); Likely pathogenic (1). Last evaluated 2025-11-18.

Conditions:
INVS-related disorders.
Nephronophthisis. Also called: Juvenile Nephronophthisis. Identifiers: Orphanet 655, MedGen C0687120, MONDO:0019005, HP:0000090.

Allele frequency attached by ClinVar (database versions not stated): gnomAD exomes 0.00001.
gnomAD v4.1: 11 of 1,613,950 alleles (0.00068%); highest among the groups gnomAD compares: Non-Finnish European, 0.00093%; no homozygotes.

Submissions (2):

Labcorp Genetics (formerly Invitae), Labcorp
Classification: Pathogenic for Nephronophthisis. Last evaluated: 2025-11-18. Review status: criteria provided, single submitter. Criteria: Invitae Variant Classification Sherloc (09022015). Collection method: clinical testing. Allele origin: germline.
Comment: This sequence change creates a premature translational stop signal (p.Trp965*) in the INVS gene. It is expected to result in an absent or disrupted protein product. Loss-of-function variants in INVS are known to be pathogenic (PMID: 12872123). This variant is not present in population databases (gnomAD no frequency). This variant has not been reported in the literature in individuals affected with INVS-related conditions. ClinVar contains an entry for this variant (Variation ID: 2842407). Algorithms developed to predict the effect of sequence changes on RNA splicing suggest that this variant may disrupt the consensus splice site. For these reasons, this variant has been classified as Pathogenic.

Blueprint Genetics
Classification: Likely pathogenic for INVS-related disorders. Last evaluated: 2022-10-28. Review status: criteria provided, single submitter. Criteria: ACMG Guidelines, 2015. Collection method: clinical testing. Allele origin: germline. Affected: yes. Observed: 1 variant allele.

Literature cited by the submitters: PubMed 12872123 (cited by Labcorp Genetics (formerly Invitae), Labcorp).

NM_014425.5(INVS):c.2894G>A (p.Trp965Ter)

Gene: INVS (inversin; plus strand). Cytogenetic location: 9q31.1.
Variant type: single nucleotide variant.
Coding change: c.2894G>A on transcript NM_014425.5 (MANE Select); coding-DNA position 2894, G replaced by A.
Protein change: p.Trp965Ter; replaces tryptophan 965 with a stop codon.
Molecular consequence: nonsense. On other transcripts: non-coding transcript variant (1).
Genome position (GRCh38, 1-based): chr9:100,297,024, G>A. VCF-style: chr9-100297024-G-A. GRCh37 (hg19) VCF-style: chr9-103059306-G-A.
Other names: c.2606G>A, p.Trp869Ter (NM_001318381.2); c.1916G>A, p.Trp639Ter (NM_001318382.2); short protein forms W639*, W869*, W965*.
Identifiers: ClinVar variation 2842407 (VCV002842407.4), dbSNP rs2490134421, ClinGen allele CA374245188.